The following is an entry in ClinVar:

NM_000059.4(BRCA2):c.3725del (p.Ser1242fs)

Gene: BRCA2 (BRCA2 DNA repair associated; plus strand). Cytogenetic location: 13q13.1.
Variant type: Deletion.
Coding change: c.3725del on transcript NM_000059.4 (MANE Select); coding-DNA position 3725, one base deleted (G; older notation c.3725delG).
Protein change: p.Ser1242fs; shifts the reading frame from serine 1242.
Molecular consequence: frameshift variant. On other transcripts: non-coding transcript variant (1), intron variant (2).
Genome position (GRCh38, 1-based): chr13:32,338,080, G deleted. VCF-style (leftmost placement, unchanged base first): chr13-32338079-AG-A. GRCh37 (hg19) VCF-style: chr13-32912216-AG-A.
Other names: c.3725del, p.Ser1242fs (NM_001406719.1, NM_001406720.1, NM_001432077.1); c.1909+4693del (NM_001406721.1); c.425-6478del (NM_001406722.1); short protein forms S1242fs.
Identifiers: ClinVar variation 3904702 (VCV003904702.1).

ClinVar aggregate classification (germline): Pathogenic (1 of 4 stars; one submission).

Conditions:
Breast-ovarian cancer, familial, susceptibility to, 2 (BROVCA2). Also called: BRCA2 Hereditary Breast and Ovarian Cancer. Identifiers: Orphanet 145, MedGen C2675520, MONDO:0012933, OMIM 612555. Disease mechanism: loss of function.

Submission:

Myriad Genetics, Inc.
Classification: Pathogenic for Breast-ovarian cancer, familial, susceptibility to, 2. Last evaluated: 2025-01-16. Review status: criteria provided, single submitter. Criteria: Myriad Autosomal Dominant, Autosomal Recessive and X-Linked Classification Criteria (2023). Collection method: clinical testing. Allele origin: unknown.
Comment: This variant is considered pathogenic. This variant creates a frameshift predicted to result in premature protein truncation.